The following is an entry in ClinVar:

ClinVar aggregate classification (germline): Conflicting classifications of pathogenicity. Review status: criteria provided, conflicting classifications (1 of 4 stars). 3 submissions from 3 submitters: Uncertain significance (2); Likely benign (1). Last evaluated 2026-02-11.

Conditions:
RP1L1-related disorder. Also called: RP1L1-related condition.
Inborn genetic diseases. Identifiers: MedGen C0950123, MeSH D030342.
Retinal dystrophy. Also called: Inherited retinal dystrophy. Identifiers: Orphanet 71862, MedGen C0854723, MeSH D058499, MONDO:0019118, HP:0000556.

Allele frequency attached by ClinVar (database versions not stated): ExAC 0.00007; ESP Exome Variant Server 0.00008; gnomAD 0.00011; TOPMed 0.00015.

Submissions (3):

PreventionGenetics, part of Exact Sciences
Classification: Uncertain significance for RP1L1-related condition. Last evaluated: 2026-02-11. Review status: criteria provided, single submitter. Criteria: ACMG Guidelines, 2015. Collection method: clinical testing. Allele origin: germline.
Comment: The RP1L1 c.4247C>T variant is predicted to result in the amino acid substitution p.Pro1416Leu. To our knowledge, this variant has not been reported in the literature. This variant is present in 0.033% of alleles in individuals of African descent in gnomAD. At this time, the clinical significance of this variant is uncertain due to the absence of conclusive functional and genetic evidence.

Dept Of Ophthalmology, Nagoya University
Classification: Uncertain significance for Retinal dystrophy. Last evaluated: 2023-10-01. Review status: criteria provided, single submitter. Criteria: Submitter's publication. Collection method: research. Allele origin: germline. Affected: yes.

Ambry Genetics
Classification: Likely benign for Inborn genetic diseases. Last evaluated: 2021-12-07. Review status: criteria provided, single submitter. Criteria: Ambry Variant Classification Scheme 2023. Collection method: clinical testing. Allele origin: germline.

NM_178857.6(RP1L1):c.4247C>T (p.Pro1416Leu)

Gene: RP1L1 (RP1 like 1). Cytogenetic location: 8p23.1.
Variant type: single nucleotide variant.
Coding change: c.4247C>T on transcript NM_178857.6 (MANE Select); coding-DNA position 4247, C replaced by T.
Protein change: p.Pro1416Leu; replaces proline 1416 with leucine.
Molecular consequence: missense variant.
Genome position (GRCh38, 1-based): chr8:10,609,851, G>A on the plus strand (C>T on the coding strand, the complement: RP1L1 is on the minus strand). VCF-style: chr8-10609851-G-A. GRCh37 (hg19) VCF-style: chr8-10467361-G-A.
Other names: short protein forms P1416L.
Identifiers: ClinVar variation 2331270 (VCV002331270.4), dbSNP rs372721717, ClinGen allele CA4624092.